The following is an entry in ClinVar:

NM_001204.7(BMPR2):c.2267C>A (p.Thr756Asn)

Gene: BMPR2 (bone morphogenetic protein receptor type 2; plus strand). Cytogenetic location: 2q33.2.
Variant type: single nucleotide variant.
Coding change: c.2267C>A on transcript NM_001204.7 (MANE Select); coding-DNA position 2267, C replaced by A.
Protein change: p.Thr756Asn; replaces threonine 756 with asparagine.
Molecular consequence: missense variant.
Genome position (GRCh38, 1-based): chr2:202,555,932, C>A. VCF-style: chr2-202555932-C-A. GRCh37 (hg19) VCF-style: chr2-203420655-C-A.
Other names: short protein forms T756N.
Identifiers: ClinVar variation 3824936 (VCV003824936.1).

ClinVar aggregate classification (germline): Uncertain significance (1 of 4 stars; one submission).

Conditions:
Inborn genetic diseases. Identifiers: MedGen C0950123, MeSH D030342.

Submission:

Ambry Genetics
Classification: Uncertain significance for Inborn genetic diseases. Last evaluated: 2025-03-02. Review status: criteria provided, single submitter. Criteria: Ambry Variant Classification Scheme 2023. Collection method: clinical testing. Allele origin: germline.
Comment: The p.T756N variant (also known as c.2267C>A), located in coding exon 12 of the BMPR2 gene, results from a C to A substitution at nucleotide position 2267. The threonine at codon 756 is replaced by asparagine, an amino acid with similar properties. This amino acid position is conserved. In addition, the in silico prediction for this alteration is inconclusive. Based on the available evidence, the clinical significance of this variant remains unclear.